The following is an entry in ClinVar:

ClinVar aggregate classification (germline): Uncertain significance. Review status: criteria provided, multiple submitters, no conflicts (2 of 4 stars). 2 submissions from 2 submitters: Uncertain significance (2). Last evaluated 2025-09-19.

Conditions:
Neuropathy, hereditary sensory and autonomic, type 2A (HSAN2A). Also called: ACROOSTEOLYSIS, GIACCAI TYPE; ACROOSTEOLYSIS, NEUROGENIC; MORVAN DISEASE; NEUROPATHY, CONGENITAL SENSORY; NEUROPATHY, HEREDITARY SENSORY RADICULAR, AUTOSOMAL RECESSIVE; NEUROPATHY, HEREDITARY SENSORY, TYPE IIA. Identifiers: Orphanet 970, MedGen C2752089, MONDO:0024309, OMIM 201300.
Pseudohypoaldosteronism type 2C (PHA2C). Also called: Pseudohypoaldosteronism Type IIC. Identifiers: Orphanet 757, Orphanet 88940, MedGen C1840391, MONDO:0013778, OMIM 614492.

Allele frequency attached by ClinVar (database versions not stated): TOPMed 0.00002; gnomAD 0.00003 and 0.00004.
gnomAD v4.1: 5 of 1,613,792 alleles (0.00031%); highest among the groups gnomAD compares: African/African-American, 0.0067%; no homozygotes.

Submissions (2):

Labcorp Genetics (formerly Invitae), Labcorp
Classification: Uncertain significance for Neuropathy, hereditary sensory and autonomic, type 2A; Pseudohypoaldosteronism type 2C. Last evaluated: 2025-09-19. Review status: criteria provided, single submitter. Criteria: Invitae Variant Classification Sherloc (09022015). Collection method: clinical testing. Allele origin: germline.
Comment: This sequence change replaces valine, which is neutral and non-polar, with methionine, which is neutral and non-polar, at codon 2360 of the WNK1 protein (p.Val2360Met). This variant is present in population databases (no rsID available, gnomAD 0.02%). This variant has not been reported in the literature in individuals affected with WNK1-related conditions. ClinVar contains an entry for this variant (Variation ID: 1423586). Invitae Evidence Modeling of protein sequence and biophysical properties (such as structural, functional, and spatial information, amino acid conservation, physicochemical variation, residue mobility, and thermodynamic stability) indicates that this missense variant is not expected to disrupt WNK1 protein function with a negative predictive value of 95%. In summary, the available evidence is currently insufficient to determine the role of this variant in disease. Therefore, it has been classified as a Variant of Uncertain Significance.

Fulgent Genetics
Classification: Uncertain significance for Neuropathy, hereditary sensory and autonomic, type 2A; Pseudohypoaldosteronism type 2C. Last evaluated: 2021-10-04. Review status: criteria provided, single submitter. Criteria: ACMG Guidelines, 2015. Collection method: clinical testing. Allele origin: unknown.

NM_018979.4(WNK1):c.6322G>A (p.Val2108Met)

Gene: WNK1 (WNK lysine deficient protein kinase 1; plus strand). Cytogenetic location: 12p13.33.
Variant type: single nucleotide variant.
Coding change: c.6322G>A on transcript NM_018979.4 (MANE Select); coding-DNA position 6322, G replaced by A.
Protein change: p.Val2108Met; replaces valine 2108 with methionine.
Molecular consequence: missense variant.
Genome position (GRCh38, 1-based): chr12:897,555, G>A. VCF-style: chr12-897555-G-A. GRCh37 (hg19) VCF-style: chr12-1006721-G-A.
Other names: c.5578G>A, p.Val1860Met (NM_014823.3); c.7078G>A, p.Val2360Met (NM_213655.5); c.7102G>A, p.Val2368Met (NM_001184985.2); short protein forms V1860M, V2368M, V2108M, V2360M.
Identifiers: ClinVar variation 1423586 (VCV001423586.7), dbSNP rs1437946999, ClinGen allele CA383337181.